The following is an entry in ClinVar:

ClinVar aggregate classification (germline): Uncertain significance (1 of 4 stars; one submission).

Allele frequency attached by ClinVar (database versions not stated): gnomAD 0.00001; gnomAD exomes 0.00001; ExAC 0.00003; TOPMed 0.00003.

Submission:

Labcorp Genetics (formerly Invitae), Labcorp
Classification: Uncertain significance. Last evaluated: 2021-09-24. Review status: criteria provided, single submitter. Criteria: Invitae Variant Classification Sherloc (09022015). Collection method: clinical testing. Allele origin: germline.
Comment: This sequence change replaces valine with glutamic acid at codon 143 of the NEU1 protein (p.Val143Glu). The valine residue is highly conserved and there is a moderate physicochemical difference between valine and glutamic acid. This variant is present in population databases (rs765628759, ExAC 0.01%). This variant has not been reported in the literature in individuals with NEU1-related conditions. Algorithms developed to predict the effect of missense changes on protein structure and function are either unavailable or do not agree on the potential impact of this missense change (SIFT: "Deleterious"; PolyPhen-2: "Probably Damaging"; Align-GVGD: "Class C0"). In summary, the available evidence is currently insufficient to determine the role of this variant in disease. Therefore, it has been classified as a Variant of Uncertain Significance.

NM_000434.4(NEU1):c.428T>A (p.Val143Glu)

Gene: NEU1 (neuraminidase 1; minus strand). Cytogenetic location: 6p21.33.
Variant type: single nucleotide variant.
Coding change: c.428T>A on transcript NM_000434.4 (MANE Select); coding-DNA position 428, T replaced by A.
Protein change: p.Val143Glu; replaces valine 143 with glutamic acid.
Molecular consequence: missense variant.
Genome position (GRCh38, 1-based): chr6:31,861,375, A>T on the plus strand (T>A on the coding strand, the complement: NEU1 is on the minus strand). VCF-style: chr6-31861375-A-T. GRCh37 (hg19) VCF-style: chr6-31829152-A-T.
Other names: short protein forms V143E.
Identifiers: ClinVar variation 1445509 (VCV001445509.6), dbSNP rs765628759, ClinGen allele CA3725031.